The following is an entry in ClinVar:

NM_000548.5(TSC2):c.1854G>C (p.Leu618=)

Gene: TSC2 (TSC complex subunit 2; plus strand). Cytogenetic location: 16p13.3.
Variant type: single nucleotide variant.
Coding change: c.1854G>C on transcript NM_000548.5 (MANE Select); coding-DNA position 1854, G replaced by C.
Protein change: p.Leu618=; no amino-acid change (leucine 618 retained).
Molecular consequence: synonymous variant.
Genome position (GRCh38, 1-based): chr16:2,071,524, G>C. VCF-style: chr16-2071524-G-C. GRCh37 (hg19) VCF-style: chr16-2121525-G-C.
Other names: c.1854G>C (NM_000548.4); c.1854G>C, p.Leu618= (NM_001077183.3, NM_001114382.3, NM_001363528.2 and 3 more transcripts); c.1743G>C, p.Leu581= (NM_001318827.2); c.1707G>C, p.Leu569= (NM_001318829.2); c.1254G>C, p.Leu418= (NM_001318831.2); c.1887G>C, p.Leu629= (NM_001318832.2).
Identifiers: ClinVar variation 413638 (VCV000413638.25), dbSNP rs1060504088, ClinGen allele CA16614727.

ClinVar aggregate classification (germline): Benign/Likely benign. Review status: criteria provided, multiple submitters, no conflicts (2 of 4 stars). 9 submissions from 9 submitters: Benign (2); Likely benign (6). 1 of the submissions does not count toward it. Last evaluated 2025-12-27.

Conditions:
TSC2-related disorder. Also called: TSC2-related condition; TSC2-Related Disorders.
Hereditary cancer-predisposing syndrome. Also called: Tumor predisposition; Neoplastic Syndromes, Hereditary; Hereditary Cancer Syndrome; Hereditary neoplastic syndrome. Identifiers: Orphanet 140162, MedGen C0027672, MeSH D009386, MONDO:0015356.
Tuberous sclerosis syndrome (TSC). Also called: Tuberous Sclerosis Complex; Tuberous sclerosis. Identifiers: Orphanet 805, MedGen C0041341, MONDO:0001734.
Tuberous sclerosis 2 (TSC2). Identifiers: Orphanet 805, MedGen C1860707, MONDO:0013199, OMIM 613254.

Allele frequency attached by ClinVar (database versions not stated): gnomAD exomes below 0.00001; TOPMed below 0.00001; gnomAD 0.00001.
gnomAD v4.1: 6 of 1,613,548 alleles (0.00037%); highest among the groups gnomAD compares: Middle Eastern, 0.016%; no homozygotes.

Submissions (9):

Labcorp Genetics (formerly Invitae), Labcorp
Classification: Likely benign for Tuberous sclerosis 2. Last evaluated: 2025-12-27. Review status: criteria provided, single submitter. Criteria: Invitae Variant Classification Sherloc (09022015). Collection method: clinical testing. Allele origin: germline.

Myriad Genetics, Inc.
Classification: Benign for Tuberous sclerosis 2. Last evaluated: 2025-05-16. Review status: criteria provided, single submitter. Criteria: Myriad Autosomal Dominant, Autosomal Recessive and X-Linked Classification Criteria (2023). Collection method: clinical testing. Allele origin: unknown.
Comment: This variant is considered benign. This variant is a silent/synonymous amino acid change and it is not expected to impact splicing.

All of Us Research Program, National Institutes of Health
Classification: Likely benign for Tuberous sclerosis syndrome. Last evaluated: 2024-09-23. Review status: criteria provided, single submitter. Criteria: ACMG Guidelines, 2015. Collection method: clinical testing. Allele origin: germline. Inheritance: Autosomal dominant inheritance. Observed: 5 variant alleles, 5 heterozygotes.
Comment: This study involves interpretation of variants in research participants for the purpose of population health screening. Participant phenotype was not available at the time of variant classification. Additional details can be found in publication PMID: 35346344, PMCID: PMC8962531

KCCC/NGS Laboratory, Kuwait Cancer Control Center
Classification: Likely benign for Tuberous sclerosis 2. Last evaluated: 2023-07-07. Review status: criteria provided, single submitter. Criteria: ACMG Guidelines, 2015. Collection method: clinical testing. Allele origin: germline. Affected: yes.

Color Diagnostics, LLC DBA Color Health
Classification: Likely benign for Tuberous sclerosis syndrome. Last evaluated: 2022-09-22. Review status: criteria provided, single submitter. Criteria: ACMG Guidelines, 2015. Collection method: clinical testing. Allele origin: germline.

Genome-Nilou Lab
Classification: Benign for Tuberous sclerosis 2. Last evaluated: 2021-11-07. Review status: criteria provided, single submitter. Criteria: ACMG Guidelines, 2015. Collection method: clinical testing. Allele origin: germline. Affected: no.

Sema4
Classification: Likely benign for Hereditary cancer-predisposing syndrome. Last evaluated: 2020-09-21. Review status: criteria provided, single submitter. Criteria: Sema4 Curation Guidelines. Collection method: curation. Allele origin: germline.

Ambry Genetics
Classification: Likely benign for Hereditary cancer-predisposing syndrome. Last evaluated: 2016-10-08. Review status: criteria provided, single submitter. Criteria: Ambry Variant Classification Scheme 2023. Collection method: clinical testing. Allele origin: germline.

PreventionGenetics, part of Exact Sciences
Classification: Likely benign for TSC2-related condition. Last evaluated: 2019-05-23. Review status: no assertion criteria provided. Collection method: clinical testing. Allele origin: germline. Not counted in ClinVar's aggregate classification.
Comment: This variant is classified as likely benign based on ACMG/AMP sequence variant interpretation guidelines (Richards et al. 2015 PMID: 25741868, with internal and published modifications).